The following is an entry in ClinVar:

NM_001040108.2(MLH3):c.3538C>G (p.Arg1180Gly)

Gene: MLH3 (mutL homolog 3; minus strand). Cytogenetic location: 14q24.3.
Variant type: single nucleotide variant.
Coding change: c.3538C>G on transcript NM_001040108.2 (MANE Select); coding-DNA position 3538, C replaced by G.
Protein change: p.Arg1180Gly; replaces arginine 1180 with glycine.
Molecular consequence: missense variant.
Genome position (GRCh38, 1-based): chr14:75,039,943, G>C on the plus strand (C>G on the coding strand, the complement: MLH3 is on the minus strand). VCF-style: chr14-75039943-G-C. GRCh37 (hg19) VCF-style: chr14-75506646-G-C.
Other names: c.3538C>G, p.Arg1180Gly (NM_014381.3); short protein forms R1180G.
Identifiers: ClinVar variation 1508448 (VCV001508448.12), dbSNP rs761024324, ClinGen allele CA263645079.

ClinVar aggregate classification (germline): Uncertain significance. Review status: criteria provided, multiple submitters, no conflicts (2 of 4 stars). 2 submissions from 2 submitters: Uncertain significance (2). Last evaluated 2025-06-18.

Conditions:
Colorectal cancer, hereditary nonpolyposis, type 7. Identifiers: Orphanet 144, MedGen C1858380, MONDO:0013725, OMIM 614385.

Allele frequency attached by ClinVar (database versions not stated): TOPMed below 0.00001.
gnomAD v4.1: 4 of 1,576,054 alleles (0.00025%); highest among the groups gnomAD compares: African/African-American, 0.0042%; no homozygotes.

Submissions (2):

Ambry Genetics
Classification: Uncertain significance. Last evaluated: 2025-06-18. Review status: criteria provided, single submitter. Criteria: Ambry Variant Classification Scheme 2023. Collection method: clinical testing. Allele origin: germline.

Labcorp Genetics (formerly Invitae), Labcorp
Classification: Uncertain significance for Colorectal cancer, hereditary nonpolyposis, type 7. Last evaluated: 2021-02-03. Review status: criteria provided, single submitter. Criteria: Invitae Variant Classification Sherloc (09022015). Collection method: clinical testing. Allele origin: germline.
Comment: In summary, the available evidence is currently insufficient to determine the role of this variant in disease. Therefore, it has been classified as a Variant of Uncertain Significance. Algorithms developed to predict the effect of missense changes on protein structure and function are either unavailable or do not agree on the potential impact of this missense change (SIFT: "Deleterious"; PolyPhen-2: "Probably Damaging"; Align-GVGD: "Class C0"). This variant has not been reported in the literature in individuals with MLH3-related conditions. This variant is not present in population databases (ExAC no frequency). This sequence change replaces arginine with glycine at codon 1180 of the MLH3 protein (p.Arg1180Gly). The arginine residue is highly conserved and there is a moderate physicochemical difference between arginine and glycine.